The following is an entry in ClinVar:

ClinVar aggregate classification (germline): Uncertain significance. Review status: criteria provided, multiple submitters, no conflicts (2 of 4 stars). 4 submissions from 4 submitters: Uncertain significance (4). Last evaluated 2024-04-18.

Conditions:
Congenital myotonia, autosomal recessive form. Also called: Becker Generalized Myotonia; myotonia congenita, autosomal recessive; BECKER DISEASE. Identifiers: Orphanet 614, MedGen C0751360, MONDO:0009715, OMIM 255700.
Congenital myotonia, autosomal dominant form (THD). Also called: THOMSEN DISEASE; Myotonia congenita autosomal dominant. Identifiers: Orphanet 614, MedGen C2936781, MONDO:0008055, OMIM 160800.

Allele frequency attached by ClinVar (database versions not stated): ExAC 0.00001; gnomAD exomes 0.00001; TOPMed 0.00002.
gnomAD v4.1: 4 of 1,613,926 alleles (0.00025%); highest among the groups gnomAD compares: Admixed American, 0.0067%; no homozygotes.

Submissions (4):

Revvity Omics, Revvity
Classification: Uncertain significance. Last evaluated: 2024-04-18. Review status: criteria provided, single submitter. Criteria: ACMG Guidelines, 2015. Collection method: clinical testing. Allele origin: germline.

Labcorp Genetics (formerly Invitae), Labcorp
Classification: Uncertain significance for Congenital myotonia, autosomal recessive form; Congenital myotonia, autosomal dominant form. Last evaluated: 2023-12-02. Review status: criteria provided, single submitter. Criteria: Invitae Variant Classification Sherloc (09022015). Collection method: clinical testing. Allele origin: germline.
Comment: This sequence change replaces valine, which is neutral and non-polar, with isoleucine, which is neutral and non-polar, at codon 275 of the CLCN1 protein (p.Val275Ile). This variant is present in population databases (rs759703560, gnomAD 0.006%). This variant has not been reported in the literature in individuals affected with CLCN1-related conditions. ClinVar contains an entry for this variant (Variation ID: 804710). Advanced modeling of protein sequence and biophysical properties (such as structural, functional, and spatial information, amino acid conservation, physicochemical variation, residue mobility, and thermodynamic stability) has been performed at Invitae for this missense variant, however the output from this modeling did not meet the statistical confidence thresholds required to predict the impact of this variant on CLCN1 protein function. In summary, the available evidence is currently insufficient to determine the role of this variant in disease. Therefore, it has been classified as a Variant of Uncertain Significance.

GeneDx
Classification: Uncertain significance. Last evaluated: 2023-10-03. Review status: criteria provided, single submitter. Criteria: GeneDx Variant Classification Process June 2021. Collection method: clinical testing. Allele origin: germline. Affected: yes.
Comment: Not observed at significant frequency in large population cohorts (gnomAD); In silico analysis supports that this missense variant does not alter protein structure/function; Has not been previously published as pathogenic or benign to our knowledge

Athena Diagnostics
Classification: Uncertain significance. Last evaluated: 2019-01-07. Review status: criteria provided, single submitter. Criteria: Athena Diagnostics Criteria. Collection method: clinical testing. Allele origin: germline.

NM_000083.3(CLCN1):c.823G>A (p.Val275Ile)

Gene: CLCN1 (chloride voltage-gated channel 1; plus strand). Cytogenetic location: 7q34.
Variant type: single nucleotide variant.
Coding change: c.823G>A on transcript NM_000083.3 (MANE Select); coding-DNA position 823, G replaced by A.
Protein change: p.Val275Ile; replaces valine 275 with isoleucine.
Molecular consequence: missense variant. On other transcripts: non-coding transcript variant (1).
Genome position (GRCh38, 1-based): chr7:143,324,462, G>A. VCF-style: chr7-143324462-G-A. GRCh37 (hg19) VCF-style: chr7-143021555-G-A.
Other names: short protein forms V275I.
Identifiers: ClinVar variation 804710 (VCV000804710.9), dbSNP rs759703560, ClinGen allele CA4537127.